The following is an entry in ClinVar:

ClinVar aggregate classification (germline): Likely pathogenic (1 of 4 stars; one submission).

Conditions:
Nemaline myopathy 2 (NEM2). Also called: Nemaline myopathy 2, autosomal recessive. Identifiers: MedGen C1850569, MONDO:0009725, OMIM 256030.

gnomAD v4.1: 2 of 1,612,546 alleles (0.00012%); highest among the groups gnomAD compares: Non-Finnish European, 0.00017%; no homozygotes.

Submission:

Broad Center for Mendelian Genomics, Broad Institute of MIT and Harvard
Classification: Likely pathogenic for Nemaline myopathy 2. Last evaluated: 2024-09-04. Review status: criteria provided, single submitter. Criteria: ACMG Guidelines, 2015. Collection method: curation. Allele origin: germline. Inheritance: Autosomal recessive inheritance.
Comment: Trio exome analysis revealed that this variant was in trans with a likely pathogenic variant (ClinVar Variation ID: 279999). The c.11805+2T>A variant in NEB has not been previously reported in individuals with nemaline myopathy 2. This variant has been identified in 0.0002% (2/1178950) of European (non-Finnish) chromosomes by the Genome Aggregation Database (gnomAD). Although this variant has been seen in the general population in a heterozygous state, its frequency is low enough to be consistent with a recessive carrier frequency. This variant is located in the 5' splice region. Computational tools predict a splicing impact, though this information is not predictive enough to determine pathogenicity. This variant is adjacent to an in-frame exon and may escape nonsense mediated decay (NMD) and result in a truncated protein. In-frame exon skipping of the NEB gene is an established disease mechanism in autosomal recessive nemaline myopathy. However, this information is not predictive enough to determine pathogenicity. In summary, although additional studies are required to fully establish its clinical significance, this variant is likely pathogenic for autosomal recessive nemaline myopathy. ACMG/AMP Criteria applied: PVS1_Strong, PM2_Supporting, PM3 (Richards 2015).

NM_001164508.2(NEB):c.11805+2T>A

Gene: NEB (nebulin; minus strand). Cytogenetic location: 2q23.3.
Variant type: single nucleotide variant.
Coding change: c.11805+2T>A on transcript NM_001164508.2 (MANE Select); the canonical splice donor site of the intron after coding-DNA position 11805, T replaced by A.
Molecular consequence: splice donor variant.
Genome position (GRCh38, 1-based): chr2:151,612,184, A>T on the plus strand (T>A on the coding strand, the complement: NEB is on the minus strand). VCF-style: chr2-151612184-A-T. GRCh37 (hg19) VCF-style: chr2-152468698-A-T.
Other names: NM_001164508.2:c.11805+2T>A; c.11076+2T>A (NM_004543.5); c.11805+2T>A (NM_001164507.2, NM_001271208.2).
Identifiers: ClinVar variation 2500962 (VCV002500962.2), dbSNP rs2552228965, ClinGen allele CA348779862.